The following is an entry in ClinVar:

NC_000014.8:g.(?_91745562)_(91770342_?)dup

Gene: CCDC88C (coiled-coil domain containing 88C; minus strand). Cytogenetic location: 14q32.11.
Variant type: Duplication.
Identifiers: ClinVar variation 3244065 (VCV003244065.1).

ClinVar aggregate classification (germline): Likely pathogenic (1 of 4 stars; one submission).

Submission:

Labcorp Genetics (formerly Invitae), Labcorp
Classification: Likely pathogenic. Last evaluated: 2023-07-25. Review status: criteria provided, single submitter. Criteria: Invitae Variant Classification Sherloc (09022015). Collection method: clinical testing. Allele origin: unknown.
Comment: In summary, the currently available evidence indicates that the variant is pathogenic, but additional data are needed to prove that conclusively. Therefore, this variant has been classified as Likely Pathogenic. This variant has not been reported in the literature in individuals affected with CCDC88C-related conditions. This variant results in a copy number gain of the genomic region encompassing exon(s) 20-28 of the CCDC88C gene. While the exact position of this variant cannot be determined from the data, sub-genic copy number gains are generally in tandem (PMID: 25640679). This variant is predicted to be out-of-frame, and may result in an absent or disrupted protein product. Loss-of-function variants in CCDC88C are known to be pathogenic (PMID: 23042809, 29225145).

Literature cited by the submitters: PubMed 25640679; PubMed 23042809; PubMed 29225145.